The following is an entry in ClinVar:

NM_002439.5(MSH3):c.747T>G (p.Cys249Trp)

Gene: MSH3 (mutS homolog 3; plus strand). Cytogenetic location: 5q14.1.
Variant type: single nucleotide variant.
Coding change: c.747T>G on transcript NM_002439.5 (MANE Select); coding-DNA position 747, T replaced by G.
Protein change: p.Cys249Trp; replaces cysteine 249 with tryptophan.
Molecular consequence: missense variant.
Genome position (GRCh38, 1-based): chr5:80,670,264, T>G. VCF-style: chr5-80670264-T-G. GRCh37 (hg19) VCF-style: chr5-79966083-T-G.
Other names: short protein forms C249W.
Identifiers: ClinVar variation 1500177 (VCV001500177.12), dbSNP rs1272356369, ClinGen allele CA360266931.

ClinVar aggregate classification (germline): Uncertain significance. Review status: criteria provided, multiple submitters, no conflicts (2 of 4 stars). 3 submissions from 3 submitters: Uncertain significance (3). Last evaluated 2025-05-07.

Conditions:
Hereditary cancer-predisposing syndrome. Also called: Tumor predisposition; Hereditary neoplastic syndrome; Neoplastic Syndromes, Hereditary; Hereditary Cancer Syndrome. Identifiers: Orphanet 140162, MedGen C0027672, MeSH D009386, MONDO:0015356.

Allele frequency attached by ClinVar (database versions not stated): TOPMed below 0.00001; gnomAD 0.00001; gnomAD exomes 0.00001.
gnomAD v4.1: 13 of 1,613,978 alleles (0.00081%); highest among the groups gnomAD compares: Non-Finnish European, 0.0011%; no homozygotes.

Submissions (3):

Labcorp Genetics (formerly Invitae), Labcorp
Classification: Uncertain significance. Last evaluated: 2025-05-07. Review status: criteria provided, single submitter. Criteria: Invitae Variant Classification Sherloc (09022015). Collection method: clinical testing. Allele origin: germline.
Comment: This sequence change replaces cysteine, which is neutral and slightly polar, with tryptophan, which is neutral and slightly polar, at codon 249 of the MSH3 protein (p.Cys249Trp). This variant is not present in population databases (gnomAD no frequency). This variant has not been reported in the literature in individuals affected with MSH3-related conditions. ClinVar contains an entry for this variant (Variation ID: 1500177). An algorithm developed to predict the effect of missense changes on protein structure and function (PolyPhen-2) suggests that this variant is likely to be disruptive. In summary, the available evidence is currently insufficient to determine the role of this variant in disease. Therefore, it has been classified as a Variant of Uncertain Significance.

Ambry Genetics
Classification: Uncertain significance for Hereditary cancer-predisposing syndrome. Last evaluated: 2024-10-14. Review status: criteria provided, single submitter. Criteria: Ambry Variant Classification Scheme 2023. Collection method: clinical testing. Allele origin: germline.
Comment: The p.C249W variant (also known as c.747T>G), located in coding exon 4 of the MSH3 gene, results from a T to G substitution at nucleotide position 747. The cysteine at codon 249 is replaced by tryptophan, an amino acid with highly dissimilar properties. This amino acid position is well conserved in available vertebrate species. In addition, the in silico prediction for this alteration is inconclusive. Since supporting evidence is limited at this time, the clinical significance of this alteration remains unclear.

Sema4
Classification: Uncertain significance for Hereditary cancer-predisposing syndrome. Last evaluated: 2021-10-29. Review status: criteria provided, single submitter. Criteria: Sema4 Curation Guidelines. Collection method: curation. Allele origin: germline.
Comment: The MSH3 c.747T>G (p.C249W) variant has not been reported in the literature to our knowledge. It was not observed in the large and broad cohorts of the Genome Aggregation Database, nor has it been reported in ClinVar. Functional studies have not been performed, and in silico predictions of the variant's effect on protein function are inconclusive. The evidence is insufficient to meet ACMG/AMP criteria for classifying the variant as benign or pathogenic. Thus, the clinical significance of this variant is currently uncertain.